The following is an entry in ClinVar:

NM_000322.5(PRPH2):c.695C>T (p.Ala232Val)

Gene: PRPH2 (peripherin 2; minus strand). Cytogenetic location: 6p21.1.
Variant type: single nucleotide variant.
Coding change: c.695C>T on transcript NM_000322.5 (MANE Select); coding-DNA position 695, C replaced by T.
Protein change: p.Ala232Val; replaces alanine 232 with valine.
Molecular consequence: missense variant.
Genome position (GRCh38, 1-based): chr6:42,704,498, G>A on the plus strand (C>T on the coding strand, the complement: PRPH2 is on the minus strand). VCF-style: chr6-42704498-G-A. GRCh37 (hg19) VCF-style: chr6-42672236-G-A.
Other names: NC_000006.11:g.42672236G>A; NP_000313.2:p.(Ala232Val); short protein forms A232V.
Identifiers: ClinVar variation 1187632 (VCV001187632.4), dbSNP rs1800113364, ClinGen allele CA364135276.

ClinVar aggregate classification (germline): Conflicting classifications of pathogenicity. Review status: criteria provided, conflicting classifications (1 of 4 stars). 2 submissions from 2 submitters: Likely pathogenic (1); Uncertain significance (1). Last evaluated 2023-07-24.

Conditions:
Retinal dystrophy. Also called: Inherited retinal dystrophy. Identifiers: Orphanet 71862, MedGen C0854723, MeSH D058499, MONDO:0019118, HP:0000556.

Submissions (2):

Ophthalmic Genetics Group, Institute of Molecular and Clinical Ophthalmology Basel
Classification: Likely pathogenic for Retinal dystrophy. Last evaluated: 2023-07-24. Review status: criteria provided, single submitter. Criteria: ACMG Guidelines, 2015. Collection method: research. Allele origin: germline. Affected: yes. Observed: 1 variant allele.
Comment: Clinical significance based on ACMG v2.0

This variant was classified as Likely pathogenic based on ACMG criteria: PM2, PM1, PP3, PP2.

GeneDx
Classification: Uncertain significance. Last evaluated: 2019-09-05. Review status: criteria provided, single submitter. Criteria: GeneDx Variant Classification Process June 2021. Collection method: clinical testing. Allele origin: germline. Affected: yes.
Comment: Not observed in large population cohorts (Lek et al., 2016); In silico analysis, which includes protein predictors and evolutionary conservation, supports a deleterious effect; Has not been previously published as pathogenic or benign to our knowledge

Literature cited by the submitters: PubMed 36909829 (cited by Ophthalmic Genetics Group, Institute of Molecular and Clinical Ophthalmology Basel).